The following is an entry in ClinVar:

ClinVar aggregate classification (germline): Uncertain significance (1 of 4 stars; one submission).

Conditions:
Spastic paraplegia. Identifiers: MedGen C0037772, HP:0001258.

Allele frequency attached by ClinVar (database versions not stated): gnomAD exomes below 0.00001.
gnomAD v4.1: 2 of 1,613,562 alleles (0.00012%); highest among the groups gnomAD compares: Non-Finnish European, 0.00017%; no homozygotes.

Submission:

Labcorp Genetics (formerly Invitae), Labcorp
Classification: Uncertain significance for Spastic paraplegia. Last evaluated: 2025-08-21. Review status: criteria provided, single submitter. Criteria: Invitae Variant Classification Sherloc (09022015). Collection method: clinical testing. Allele origin: germline.
Comment: This sequence change replaces aspartic acid, which is acidic and polar, with asparagine, which is neutral and polar, at codon 347 of the CYP7B1 protein (p.Asp347Asn). This variant is not present in population databases (gnomAD no frequency). This variant has not been reported in the literature in individuals affected with CYP7B1-related conditions. ClinVar contains an entry for this variant (Variation ID: 1448321). Invitae Evidence Modeling of protein sequence and biophysical properties (such as structural, functional, and spatial information, amino acid conservation, physicochemical variation, residue mobility, and thermodynamic stability) has been performed for this missense variant. However, the output from this modeling did not meet the statistical confidence thresholds required to predict the impact of this variant on CYP7B1 protein function. In summary, the available evidence is currently insufficient to determine the role of this variant in disease. Therefore, it has been classified as a Variant of Uncertain Significance.

NM_004820.5(CYP7B1):c.1039G>A (p.Asp347Asn)

Gene: CYP7B1 (cytochrome P450 family 7 subfamily B member 1; minus strand). Cytogenetic location: 8q12.3.
Variant type: single nucleotide variant.
Coding change: c.1039G>A on transcript NM_004820.5 (MANE Select); coding-DNA position 1039, G replaced by A.
Protein change: p.Asp347Asn; replaces aspartic acid 347 with asparagine.
Molecular consequence: missense variant.
Genome position (GRCh38, 1-based): chr8:64,615,044, C>T on the plus strand (G>A on the coding strand, the complement: CYP7B1 is on the minus strand). VCF-style: chr8-64615044-C-T. GRCh37 (hg19) VCF-style: chr8-65527601-C-T.
Other names: c.1039G>A, p.Asp347Asn (NM_001324112.2); short protein forms D347N.
Identifiers: ClinVar variation 1448321 (VCV001448321.6), dbSNP rs2129630164, ClinGen allele CA371334416.